The following is an entry in ClinVar:

ClinVar aggregate classification (germline): Pathogenic/Likely pathogenic. Review status: criteria provided, multiple submitters, no conflicts (2 of 4 stars). 7 submissions from 7 submitters: Pathogenic (4); Likely pathogenic (3). Last evaluated 2026-01-11.

Conditions:
Muscular dystrophy, limb-girdle, autosomal dominant 4. Also called: Calpain-3-related limb-girdle muscular dystrophy D4; MUSCULAR DYSTROPHY, LIMB-GIRDLE, TYPE 1I. Identifiers: Orphanet 565909, MedGen C4748295, MONDO:0029133, OMIM 618129.
Autosomal recessive limb-girdle muscular dystrophy type 2A (LGMDR1). Also called: Calpainopathy; LEYDEN-MOEBIUS MUSCULAR DYSTROPHY; MUSCULAR DYSTROPHY, PELVOFEMORAL; Limb-girdle muscular dystrophy, type 2A; Muscular dystrophy, limb-girdle, type 2A, Amish. Identifiers: Orphanet 267, MedGen C1869123, MONDO:0009675, OMIM 253600. Disease mechanism: loss of function.

Submissions (7):

3billion
Classification: Pathogenic for Autosomal recessive limb-girdle muscular dystrophy type 2A. Last evaluated: 2026-01-11. Review status: criteria provided, single submitter. Criteria: ACMG Guidelines, 2015. Collection method: clinical testing. Allele origin: germline. Affected: yes.
Comment: The variant is not observed in the gnomAD v4.1.0 dataset. Predicted Consequence/Location: Canonical splice site: predicted to alter splicing and result in a loss or disruption of normal protein function. Multiple pathogenic loss-of-function variants are reported downstream of the variant. In silico tools predict the variant to alter splicing and produce an abnormal transcript [SpliceAI: 0.87 (spliceogenicity >=0.2, non-spliceogenicity <0.1)]. The variant has been reported at least twice as pathogenic with clinical assertions and evidence for the classification (ClinVar ID: VCV000392385 /PMID: 38830343 /3billion dataset). Therefore, this variant is classified as Pathogenic according to the recommendation of ACMG/AMP guideline.

Myriad Genetics, Inc.
Classification: Likely pathogenic for Autosomal recessive limb-girdle muscular dystrophy type 2A. Last evaluated: 2025-12-27. Review status: criteria provided, single submitter. Criteria: Myriad Autosomal Dominant, Autosomal Recessive and X-Linked Classification Criteria (2023). Collection method: clinical testing. Allele origin: unknown.
Comment: NM_000070.2(CAPN3):c.1115+2T>C is a variant in a canonical splice site classified as likely pathogenic in the context of calpainopathy. c.1115+2T>C has been observed in a case with relevant disease (PMID: 38830343). Relevant functional assessments of this variant are not available in the literature. c.1115+2T>C has not been observed in referenced population frequency databases. In summary, NM_000070.2(CAPN3):c.1115+2T>C is a variant in a canonical splice site in a gene where loss of function is a known mechanism of disease, is predicted to disrupt protein function, and has been observed more frequently in cases with the relevant disease than in healthy populations. Please note: this variant was assessed in the context of healthy population screening.

Natera, Inc.
Classification: Pathogenic for Limb-girdle muscular dystrophy type 2A. Last evaluated: 2024-09-12. Review status: criteria provided, single submitter. Criteria: Natera Variant Classification Schema (03/2026). Collection method: clinical testing. Allele origin: germline.
Comment: The c.1115+2T>C variant in CAPN3 is a canonical splice donor site variant predicted to affect pre-mRNA splicing, which may result in an abnormal transcript and altered protein product. This variant is expected to result in nonsense mediated decay, truncation, or a dysfunctional protein product. This variant is rare in the general population with a frequency below the threshold expected for the associated phenotype(s). This variant has been observed in one or more individuals affected with the associated recessive disease, as either homozygous or compound heterozygous with a second variant (PMID: 38830343). Given the available evidence, this variant is classified as Pathogenic.

Labcorp Genetics (formerly Invitae), Labcorp
Classification: Likely pathogenic for Autosomal recessive limb-girdle muscular dystrophy type 2A. Last evaluated: 2024-03-03. Review status: criteria provided, single submitter. Criteria: Invitae Variant Classification Sherloc (09022015). Collection method: clinical testing. Allele origin: germline.
Comment: This sequence change affects a donor splice site in intron 8 of the CAPN3 gene. It is expected to disrupt RNA splicing. Variants that disrupt the donor or acceptor splice site typically lead to a loss of protein function (PMID: 16199547), and loss-of-function variants in CAPN3 are known to be pathogenic (PMID: 10330340, 15689361). This variant is not present in population databases (gnomAD no frequency). This variant has not been reported in the literature in individuals affected with CAPN3-related conditions. ClinVar contains an entry for this variant (Variation ID: 392385). Algorithms developed to predict the effect of sequence changes on RNA splicing suggest that this variant may disrupt the consensus splice site. In summary, the currently available evidence indicates that the variant is pathogenic, but additional data are needed to prove that conclusively. Therefore, this variant has been classified as Likely Pathogenic.

Baylor Genetics
Classification: Likely pathogenic for Muscular dystrophy, limb-girdle, autosomal dominant 4. Last evaluated: 2023-10-03. Review status: criteria provided, single submitter. Criteria: ACMG Guidelines, 2015. Collection method: clinical testing. Allele origin: unknown.

Victorian Clinical Genetics Services, Murdoch Childrens Research Institute
Classification: Pathogenic for Autosomal recessive limb-girdle muscular dystrophy type 2A. Last evaluated: 2023-07-17. Review status: criteria provided, single submitter. Criteria: ACMG Guidelines, 2015. Collection method: clinical testing. Allele origin: germline. Inheritance: Autosomal recessive inheritance. Affected: yes.
Comment: Based on the classification scheme VCGS_Germline_v1.3.4, this variant is classified as Pathogenic. Following criteria are met: 0102 - Loss of function is a known mechanism of disease in this gene and is associated with autosomal recessive limb-girdle muscular dystrophy 1 (MIM#253600). Dominant-negative is the suggested mechanism for autosomal dominant limb-girdle muscular dystrophy 4 (MIM#618129; PMIDs: 27259757, 28881388). (I) 0108 - This gene is associated with both recessive and dominant disease. Autosomal dominant limb-girdle muscular dystrophy is associated with milder presentation and later onset (PMID: 32342993). (I) 0211 - Canonical splice site variant without proven consequence on splicing (no functional evidence available). (SP) 0251 - This variant is heterozygous. (I) 0301 - Variant is absent from gnomAD (both v2 and v3). (SP) 0505 - Abnormal splicing is predicted by in silico tools and affected nucleotide is highly conserved. (SP) 0702 - Other splice site variants comparable to the one identified in this case have strong previous evidence for pathogenicity. At least three other variants inthis splice region, c.1115+1G>A, c.1115+2T>A and c.1115+5G>C, have been reported in affected individuals (Clinvar, PMID: 32646536). (SP) 0803 - This variant has limited previous evidence of pathogenicity in an unrelated individual. It has been classified as pathogenic by a diagnostic laboratory in ClinVar. (SP) 0905 - No published segregation evidence has been identified for this variant. (I) 1007 - No published functional evidence has been identified for this variant. (I) 1101 - Very strong and specific phenotype match for this individual. (SP) 1208 - Inheritance information for this variant is not currently available in this individual. (I) Legend: (SP) - Supporting pathogenic, (I) - Information, (SB) - Supporting benign

GeneDx
Classification: Pathogenic. Last evaluated: 2017-01-04. Review status: criteria provided, single submitter. Criteria: GeneDx Variant Classification (06012015). Collection method: clinical testing. Allele origin: germline. Affected: yes.
Comment: The c.1115+2 T>C pathogenic variant in the CAPN3 gene destroys the canonical splice donor site in intron 8. It is predicted to cause abnormal gene splicing, either leading to an abnormal message that is subject to nonsense-mediated mRNA decay, or to an abnormal protein product if the message is used for protein translation. The c.1115+2 T>C variant is not observed in large population cohorts (Lek et al., 2016; 1000 Genomes Consortium et al., 2015; Exome Variant Server). Although the c.1115+2 T>C variant has not been published to our knowledge, other splice site variants in the CAPN3 gene have been reported in the Human Gene Mutation Database in association with limb-girdle muscular dystrophy (Stenson et al., 2014).

Literature cited by the submitters: PubMed 38830343 (cited by 3 submitters); PubMed 16199547 (cited by Labcorp Genetics (formerly Invitae), Labcorp); PubMed 10330340 (cited by Labcorp Genetics (formerly Invitae), Labcorp); PubMed 15689361 (cited by Labcorp Genetics (formerly Invitae), Labcorp); PubMed 27259757 (cited by Victorian Clinical Genetics Services, Murdoch Childrens Research Institute); PubMed 28881388 (cited by Victorian Clinical Genetics Services, Murdoch Childrens Research Institute); PubMed 32342993 (cited by Victorian Clinical Genetics Services, Murdoch Childrens Research Institute); PubMed 32646536 (cited by Victorian Clinical Genetics Services, Murdoch Childrens Research Institute).

NM_000070.3(CAPN3):c.1115+2T>C

Gene: CAPN3 (calpain 3; plus strand). Cytogenetic location: 15q15.1.
Variant type: single nucleotide variant.
Coding change: c.1115+2T>C on transcript NM_000070.3 (MANE Select); the canonical splice donor site of the intron after coding-DNA position 1115, T replaced by C.
Molecular consequence: splice donor variant.
Genome position (GRCh38, 1-based): chr15:42,394,343, T>C. VCF-style: chr15-42394343-T-C. GRCh37 (hg19) VCF-style: chr15-42686541-T-C.
Other names: c.1115+2T>C (NM_024344.2); c.971+2T>C (NM_173087.2).
Identifiers: ClinVar variation 392385 (VCV000392385.11), dbSNP rs1057524468, ClinGen allele CA16607778.